The following is an entry in ClinVar:

NM_001854.4(COL11A1):c.1477T>A (p.Leu493Met)

Gene: COL11A1 (collagen type XI alpha 1 chain; minus strand). Cytogenetic location: 1p21.1.
Variant type: single nucleotide variant.
Coding change: c.1477T>A on transcript NM_001854.4 (MANE Select); coding-DNA position 1477, T replaced by A.
Protein change: p.Leu493Met; replaces leucine 493 with methionine.
Molecular consequence: missense variant. On other transcripts: non-coding transcript variant (1).
Genome position (GRCh38, 1-based): chr1:103,015,679, A>T on the plus strand (T>A on the coding strand, the complement: COL11A1 is on the minus strand). VCF-style: chr1-103015679-A-T. GRCh37 (hg19) VCF-style: chr1-103481235-A-T.
Other names: c.1129T>A, p.Leu377Met (NM_001168249.1, NM_080630.4); c.1360T>A, p.Leu454Met (NM_001190709.2); c.1513T>A, p.Leu505Met (NM_080629.3); short protein forms L377M, L505M, L454M, L493M.
Identifiers: ClinVar variation 2871756 (VCV002871756.3), dbSNP rs981397262, ClinGen allele CA341179472.

ClinVar aggregate classification (germline): Uncertain significance (1 of 4 stars; one submission).

Submission:

Labcorp Genetics (formerly Invitae), Labcorp
Classification: Uncertain significance. Last evaluated: 2023-10-05. Review status: criteria provided, single submitter. Criteria: Invitae Variant Classification Sherloc (09022015). Collection method: clinical testing. Allele origin: germline.
Comment: This sequence change replaces leucine, which is neutral and non-polar, with methionine, which is neutral and non-polar, at codon 493 of the COL11A1 protein (p.Leu493Met). This variant is not present in population databases (gnomAD no frequency). This variant has not been reported in the literature in individuals affected with COL11A1-related conditions. Advanced modeling of protein sequence and biophysical properties (such as structural, functional, and spatial information, amino acid conservation, physicochemical variation, residue mobility, and thermodynamic stability) performed at Invitae indicates that this missense variant is not expected to disrupt COL11A1 protein function. In summary, the available evidence is currently insufficient to determine the role of this variant in disease. Therefore, it has been classified as a Variant of Uncertain Significance.